The following is an entry in ClinVar:

ClinVar aggregate classification (germline): Uncertain significance (1 of 4 stars; one submission).

Submission:

Women's Health and Genetics/Laboratory Corporation of America, LabCorp
Classification: Uncertain significance. Last evaluated: 2025-05-28. Review status: criteria provided, single submitter. Criteria: LabCorp Variant Classification Summary - May 2015. Collection method: clinical testing. Allele origin: germline.
Comment: Variant summary: HNRNPU c.2362G>A (p.Gly788Arg) results in a non-conservative amino acid change in the encoded protein sequence. Algorithms developed to predict the effect of missense changes on protein structure and function are either unavailable or do not agree on the potential impact of this missense change. The variant was absent in 251384 control chromosomes. The available data on variant occurrences in the general population are insufficient to allow any conclusion about variant significance. To our knowledge, no occurrence of c.2362G>A in individuals affected with Developmental And Epileptic Encephalopathy, 54 and no experimental evidence demonstrating its impact on protein function have been reported. No submitters have cited clinical-significance assessments for this variant to ClinVar. Based on the evidence outlined above, the variant was classified as uncertain significance.

NM_031844.3(HNRNPU):c.2362G>A (p.Gly788Arg)

Gene: HNRNPU (heterogeneous nuclear ribonucleoprotein U; minus strand). Cytogenetic location: 1q44.
Variant type: single nucleotide variant.
Coding change: c.2362G>A on transcript NM_031844.3 (MANE Select); coding-DNA position 2362, G replaced by A.
Protein change: p.Gly788Arg; replaces glycine 788 with arginine.
Molecular consequence: missense variant.
Genome position (GRCh38, 1-based): chr1:244,855,035, C>T on the plus strand (G>A on the coding strand, the complement: HNRNPU is on the minus strand). VCF-style: chr1-244855035-C-T. GRCh37 (hg19) VCF-style: chr1-245018337-C-T.
Other names: c.2305G>A, p.Gly769Arg (NM_004501.3); short protein forms G769R, G788R.
Identifiers: ClinVar variation 3902084 (VCV003902084.1).